The following is an entry in ClinVar:

ClinVar aggregate classification (germline): Pathogenic. Review status: criteria provided, multiple submitters, no conflicts (2 of 4 stars). 2 submissions from 2 submitters: Pathogenic (2). Last evaluated 2025-05-21.

Conditions:
Hereditary angioedema type 1 (HAE1). Identifiers: Orphanet 100050, Orphanet 100051, Orphanet 91378, MedGen C2717906, MONDO:0015053, OMIM 106100.

Allele frequency attached by ClinVar (database versions not stated): gnomAD exomes below 0.00001.
gnomAD v4.1: 1 of 1,613,718 alleles (0.000062%); highest among the groups gnomAD compares: Non-Finnish European, 0.000085%; no homozygotes.

Submissions (2):

Labcorp Genetics (formerly Invitae), Labcorp
Classification: Pathogenic. Last evaluated: 2025-05-21. Review status: criteria provided, single submitter. Criteria: Invitae Variant Classification Sherloc (09022015). Collection method: clinical testing. Allele origin: germline.
Comment: This sequence change affects an acceptor splice site in intron 6 of the SERPING1 gene. It is expected to disrupt RNA splicing. Variants that disrupt the donor or acceptor splice site typically lead to a loss of protein function (PMID: 16199547), and loss-of-function variants in SERPING1 are known to be pathogenic (PMID: 11112899, 24456027). This variant is not present in population databases (gnomAD no frequency). Disruption of this splice site has been observed in individuals with autosomal dominant angioedema (PMID: 25258140, 31517426). ClinVar contains an entry for this variant (Variation ID: 3242453). Algorithms developed to predict the effect of sequence changes on RNA splicing suggest that this variant may disrupt the consensus splice site. For these reasons, this variant has been classified as Pathogenic.

DNA-diagnostics Laboratory, Research Centre For Medical Genetics
Classification: Pathogenic for Hereditary angioedema type 1. Last evaluated: 2024-06-01. Review status: criteria provided, single submitter. Criteria: ACMG Guidelines, 2015. Collection method: research. Allele origin: germline. Inheritance: Autosomal dominant inheritance. Affected: yes. Observed: 2 variant alleles, 2 heterozygotes.
Comment: According to our observation and the published information of Ponard et all, 2020, the c.1030-1G>T variant in SERPING1 meets ACMG/ClinGen SVI guidance criteria to be classified as pathogenic: PVS1_Str, PS4_Mod, PM6, PM2_Sup, PP4

Literature cited by the submitters: PubMed 16199547 (cited by Labcorp Genetics (formerly Invitae), Labcorp); PubMed 11112899 (cited by Labcorp Genetics (formerly Invitae), Labcorp); PubMed 24456027 (cited by Labcorp Genetics (formerly Invitae), Labcorp); PubMed 25258140 (cited by Labcorp Genetics (formerly Invitae), Labcorp); PubMed 31517426 (cited by Labcorp Genetics (formerly Invitae), Labcorp and DNA-diagnostics Laboratory, Research Centre For Medical Genetics).

NM_000062.3(SERPING1):c.1030-1G>T

Gene: SERPING1 (serpin family G member 1; plus strand). Cytogenetic location: 11q12.1.
Variant type: single nucleotide variant.
Coding change: c.1030-1G>T on transcript NM_000062.3 (MANE Select); the canonical splice acceptor site of the intron before coding-DNA position 1030, G replaced by T.
Molecular consequence: splice acceptor variant.
Genome position (GRCh38, 1-based): chr11:57,611,716, G>T. VCF-style: chr11-57611716-G-T. GRCh37 (hg19) VCF-style: chr11-57379189-G-T.
Other names: c.1030-1G>T (NM_001032295.2).
Identifiers: ClinVar variation 3242453 (VCV003242453.3), dbSNP rs2495452074.